The following is an entry in ClinVar:

ClinVar aggregate classification (germline): Uncertain significance. Review status: criteria provided, single submitter (1 of 4 stars). 2 submissions from 2 submitters: Uncertain significance (1). 1 of the submissions does not count toward it. Last evaluated 2022-07-24.

Conditions:
MYO5B-related disorder. Also called: MYO5B-related condition.

Allele frequency attached by ClinVar (database versions not stated): ExAC 0.00047; ESP Exome Variant Server 0.00049; 1000 Genomes Project 0.00020; 1000 Genomes Project 30x 0.00031.
gnomAD v4.1: 677 of 1,614,136 alleles (0.042%); highest among the groups gnomAD compares: Non-Finnish European, 0.054%; no homozygotes.

Submissions (2):

Labcorp Genetics (formerly Invitae), Labcorp
Classification: Uncertain significance. Last evaluated: 2022-07-24. Review status: criteria provided, single submitter. Criteria: Invitae Variant Classification Sherloc (09022015). Collection method: clinical testing. Allele origin: germline.
Comment: This sequence change replaces aspartic acid, which is acidic and polar, with glutamic acid, which is acidic and polar, at codon 595 of the MYO5B protein (p.Asp595Glu). This variant is present in population databases (rs199774365, gnomAD 0.07%). This variant has not been reported in the literature in individuals affected with MYO5B-related conditions. ClinVar contains an entry for this variant (Variation ID: 1386336). Algorithms developed to predict the effect of missense changes on protein structure and function (SIFT, PolyPhen-2, Align-GVGD) all suggest that this variant is likely to be tolerated. In summary, the available evidence is currently insufficient to determine the role of this variant in disease. Therefore, it has been classified as a Variant of Uncertain Significance.

PreventionGenetics, part of Exact Sciences
Classification: Uncertain significance for MYO5B-related condition. Last evaluated: 2024-05-28. Review status: no assertion criteria provided. Collection method: clinical testing. Allele origin: germline. Not counted in ClinVar's aggregate classification.
Comment: The MYO5B c.1785C>A variant is predicted to result in the amino acid substitution p.Asp595Glu. To our knowledge, this variant has not been reported in the literature. This variant is reported in 0.065% of alleles in individuals of European (Non-Finnish) descent in gnomAD. At this time, the clinical significance of this variant is uncertain due to the absence of conclusive functional and genetic evidence.

NM_001080467.3(MYO5B):c.1785C>A (p.Asp595Glu)

Gene: MYO5B (myosin VB; minus strand). Cytogenetic location: 18q21.1.
Variant type: single nucleotide variant.
Coding change: c.1785C>A on transcript NM_001080467.3 (MANE Select); coding-DNA position 1785, C replaced by A.
Protein change: p.Asp595Glu; replaces aspartic acid 595 with glutamic acid.
Molecular consequence: missense variant.
Genome position (GRCh38, 1-based): chr18:49,937,365, G>T on the plus strand (C>A on the coding strand, the complement: MYO5B is on the minus strand). VCF-style: chr18-49937365-G-T. GRCh37 (hg19) VCF-style: chr18-47463735-G-T.
Other names: c.1785C>A (NM_001080467.2); short protein forms D595E.
Identifiers: ClinVar variation 1386336 (VCV001386336.4), dbSNP rs199774365, ClinGen allele CA8961376.